The following is an entry in ClinVar:

NM_000264.5(PTCH1):c.1872G>C (p.Gln624His)

Genes: PTCH1 (patched 1; minus strand), LOC100507346 (uncharacterized LOC100507346; plus strand). Cytogenetic location: 9q22.32.
Variant type: single nucleotide variant.
Coding change: c.1872G>C on transcript NM_000264.5 (MANE Select); coding-DNA position 1872, G replaced by C.
Protein change: p.Gln624His; replaces glutamine 624 with histidine.
Molecular consequence: missense variant. On other transcripts: non-coding transcript variant (2).
Genome position (GRCh38, 1-based): chr9:95,469,129, C>G on the plus strand (G>C on the coding strand, the complement: PTCH1 is on the minus strand). VCF-style: chr9-95469129-C-G. GRCh37 (hg19) VCF-style: chr9-98231411-C-G.
Other names: c.1674G>C, p.Gln558His (NM_001083602.3); c.1869G>C, p.Gln623His (NM_001083603.3); c.1419G>C, p.Gln473His (NM_001083604.3, NM_001083605.3, NM_001083606.3 and 1 more transcripts); c.1716G>C, p.Gln572His (NM_001354918.2); short protein forms Q473H, Q558H, Q572H, Q623H, Q624H.
Identifiers: ClinVar variation 3230960 (VCV003230960.1), dbSNP rs2118060158, ClinGen allele CA374116147.

ClinVar aggregate classification (germline): Uncertain significance (1 of 4 stars; one submission).

Conditions:
Hereditary cancer-predisposing syndrome. Also called: Neoplastic Syndromes, Hereditary; Tumor predisposition; Hereditary neoplastic syndrome; Hereditary Cancer Syndrome. Identifiers: Orphanet 140162, MedGen C0027672, MeSH D009386, MONDO:0015356.

Allele frequency attached by ClinVar (database versions not stated): gnomAD exomes below 0.00001.
gnomAD v4.1: 1 of 1,614,080 alleles (0.000062%); highest among the groups gnomAD compares: Non-Finnish European, 0.000085%; no homozygotes.

Submission:

Ambry Genetics
Classification: Uncertain significance for Hereditary cancer-predisposing syndrome. Last evaluated: 2023-09-25. Review status: criteria provided, single submitter. Criteria: Ambry Variant Classification Scheme 2023. Collection method: clinical testing. Allele origin: germline.
Comment: The p.Q624H variant (also known as c.1872G>C), located in coding exon 14 of the PTCH1 gene, results from a G to C substitution at nucleotide position 1872. The glutamine at codon 624 is replaced by histidine, an amino acid with highly similar properties. This amino acid position is conserved. In addition, the in silico prediction for this alteration is inconclusive. Since supporting evidence is limited at this time, the clinical significance of this alteration remains unclear.